The following is an entry in ClinVar:

ClinVar aggregate classification (somatic clinical impact): Tier II - Potential (1 of 4 stars; one submission).

Conditions:
Adrenal cortex carcinoma. Also called: Adrenocortical carcinoma. Identifiers: Orphanet 1501, MedGen C0206686, MeSH D018268, MONDO:0006639, HP:0006744.

Submission:

Institute for Genomic Medicine (IGM) Clinical Laboratory, Nationwide Children's Hospital
Classification: Tier II - Potential for Adrenal cortex carcinoma. Assertion type: diagnostic. Clinical significance: supports diagnosis. Last evaluated: 2025-05-27. Review status: criteria provided, single submitter. Criteria: AMP/ASCO/CAP Guidelines, 2017. Collection method: clinical testing. Allele origin: somatic. Affected: yes.
Comment: Variant has Tier II (potential) clinical significance as a diagnostic inclusion criterion in adrenal cortex carcinoma, based on the following evidence: 1) Information in the literature supports potential biologic effect of variant (PMIDs: 24216483, 26095772, 35122023). 2) Assists in diagnosis alone or along with other biomarkers based on small studies or few case reports (Evidence Level D; PMIDs: 21455215, 19388938).

Literature cited by the submitters: PubMed 24216483; PubMed 26095772; PubMed 35122023; PubMed 21455215; PubMed 19388938.

NM_015338.6(ASXL1):c.3008_3009del (p.Ala1002_Ser1003insTer)

Gene: ASXL1 (ASXL transcriptional regulator 1; plus strand). Cytogenetic location: 20q11.21.
Variant type: Microsatellite.
Coding change: c.3008_3009del on transcript NM_015338.6 (MANE Select); coding-DNA positions 3008 to 3009, 2 bases deleted (CT; older notation c.3008_3009delCT).
Protein change: p.Ala1002_Ser1003insTer.
Molecular consequence: nonsense.
Genome position (GRCh38, 1-based): chr20:32,435,720-32,435,721, CT deleted; deleting any 2 consecutive bases within chr20:32,435,718-32,435,721 gives the same sequence; the c. name uses the placement nearest the transcript's 3' end. VCF-style (leftmost placement, unchanged base first): chr20-32435717-CCT-C. GRCh37 (hg19) VCF-style: chr20-31023520-CCT-C.
Other names: c.2825_2826del, p.Ala941_Ser942insTer (NM_001363734.1).
Identifiers: ClinVar variation 4530208 (VCV004530208.1).